The following is an entry in ClinVar:

ClinVar aggregate classification (germline): Benign/Likely benign. Review status: criteria provided, multiple submitters, no conflicts (2 of 4 stars). 8 submissions from 8 submitters: Benign (3); Likely benign (2). 3 of the submissions do not count toward it. Last evaluated 2026-02-03.

Conditions:
Distal myopathy with posterior leg and anterior hand involvement. Also called: WILLIAMS DISTAL MYOPATHY. Identifiers: Orphanet 63273, MedGen C3279722, MONDO:0013550, OMIM 614065.
Hypertrophic cardiomyopathy 26. Also called: Cardiomyopathy, familial hypertrophic, 26. Identifiers: Orphanet 75249, MedGen C4310749, MONDO:0014883, OMIM 617047.
Myofibrillar myopathy 5. Also called: Filaminopathy (type); FILAMINOPATHY, AUTOSOMAL DOMINANT. Identifiers: Orphanet 171445, MedGen C1836050, MONDO:0012289, OMIM 609524.

Allele frequency attached by ClinVar (database versions not stated): 1000 Genomes Project 30x 0.00094; 1000 Genomes Project 0.00100; ESP Exome Variant Server 0.00126; TOPMed 0.00130; gnomAD exomes 0.00165 and 0.00203; ExAC 0.00170; gnomAD 0.00252.
gnomAD v4.1: 3,244 of 1,613,870 alleles (0.2%); highest among the groups gnomAD compares: Non-Finnish European, 0.23%; 5 homozygotes.

Submissions (8):

Labcorp Genetics (formerly Invitae), Labcorp
Classification: Benign for Distal myopathy with posterior leg and anterior hand involvement; Myofibrillar myopathy 5; Hypertrophic cardiomyopathy 26. Last evaluated: 2026-02-03. Review status: criteria provided, single submitter. Criteria: Invitae Variant Classification Sherloc (09022015). Collection method: clinical testing. Allele origin: germline.

Blueprint Genetics
Classification: Likely benign. Last evaluated: 2024-11-26. Review status: criteria provided, single submitter. Criteria: ACMG Guidelines, 2015. Collection method: clinical testing. Allele origin: germline.

ARUP Laboratories, Molecular Genetics and Genomics, ARUP Laboratories
Classification: Benign. Last evaluated: 2023-11-29. Review status: criteria provided, single submitter. Criteria: ARUP Molecular Germline Variant Investigation Process 2024. Collection method: clinical testing. Allele origin: germline.

Women's Health and Genetics/Laboratory Corporation of America, LabCorp
Classification: Benign. Last evaluated: 2023-08-19. Review status: criteria provided, single submitter. Criteria: LabCorp Variant Classification Summary - May 2015. Collection method: clinical testing. Allele origin: germline.

GeneDx
Classification: Likely benign. Last evaluated: 2018-01-30. Review status: criteria provided, single submitter. Criteria: GeneDx Variant Classification (06012015). Collection method: clinical testing. Allele origin: germline. Affected: yes.
Comment: This variant is considered likely benign or benign based on one or more of the following criteria: it is a conservative change, it occurs at a poorly conserved position in the protein, it is predicted to be benign by multiple in silico algorithms, and/or has population frequency not consistent with disease.

Clinical Genetics, Academic Medical Center
Classification: Benign. Review status: no assertion criteria provided. Collection method: clinical testing. Allele origin: germline. Affected: yes. Study: VKGL Data-share Consensus. Not counted in ClinVar's aggregate classification.

Genome Diagnostics Laboratory, University Medical Center Utrecht
Classification: Likely benign. Review status: no assertion criteria provided. Collection method: clinical testing. Allele origin: germline. Affected: yes. Study: VKGL Data-share Consensus. Not counted in ClinVar's aggregate classification.

Laboratory of Diagnostic Genome Analysis, Leiden University Medical Center (LUMC)
Classification: Likely benign. Review status: no assertion criteria provided. Collection method: clinical testing. Allele origin: germline. Affected: yes. Study: VKGL Data-share Consensus. Not counted in ClinVar's aggregate classification.

NM_001458.5(FLNC):c.4737+15A>G

Gene: FLNC (filamin C; plus strand). Cytogenetic location: 7q32.1.
Variant type: single nucleotide variant.
Coding change: c.4737+15A>G on transcript NM_001458.5 (MANE Select); 15 bases into the intron after coding-DNA position 4737, A replaced by G.
Molecular consequence: intron variant.
Genome position (GRCh38, 1-based): chr7:128,848,732, A>G. VCF-style: chr7-128848732-A-G. GRCh37 (hg19) VCF-style: chr7-128488786-A-G.
Other names: c.4737+15A>G (NM_001127487.2).
Identifiers: ClinVar variation 383131 (VCV000383131.58), dbSNP rs182734223, ClinGen allele CA4475430.